The following is an entry in ClinVar:

ClinVar aggregate classification (germline): Uncertain significance (1 of 4 stars; one submission).

Conditions:
Hereditary cancer-predisposing syndrome. Also called: Neoplastic Syndromes, Hereditary; Tumor predisposition; Hereditary Cancer Syndrome; Hereditary neoplastic syndrome. Identifiers: Orphanet 140162, MedGen C0027672, MeSH D009386, MONDO:0015356.

Submission:

Ambry Genetics
Classification: Uncertain significance for Hereditary cancer-predisposing syndrome. Last evaluated: 2024-09-30. Review status: criteria provided, single submitter. Criteria: Ambry Variant Classification Scheme 2023. Collection method: clinical testing. Allele origin: germline.
Comment: The p.E390G variant (also known as c.1169A>G), located in coding exon 8 of the RAD50 gene, results from an A to G substitution at nucleotide position 1169. The glutamic acid at codon 390 is replaced by glycine, an amino acid with similar properties. This amino acid position is conserved. In addition, this alteration is predicted to be tolerated by in silico analysis. Based on the available evidence, the clinical significance of this variant remains unclear.

NM_005732.4(RAD50):c.1169A>G (p.Glu390Gly)

Gene: RAD50 (RAD50 double strand break repair protein; plus strand). Cytogenetic location: 5q31.1.
Variant type: single nucleotide variant.
Coding change: c.1169A>G on transcript NM_005732.4 (MANE Select); coding-DNA position 1169, A replaced by G.
Protein change: p.Glu390Gly; replaces glutamic acid 390 with glycine.
Molecular consequence: missense variant.
Genome position (GRCh38, 1-based): chr5:132,588,804, A>G. VCF-style: chr5-132588804-A-G. GRCh37 (hg19) VCF-style: chr5-131924496-A-G.
Other names: short protein forms E390G.
Identifiers: ClinVar variation 3429504 (VCV003429504.1).